The following is an entry in ClinVar:

ClinVar aggregate classification (germline): Pathogenic. Review status: reviewed by expert panel (3 of 4 stars). 10 submissions from 10 submitters: Pathogenic (1). 9 of the submissions do not count toward it. Last evaluated 2026-08-20.

Conditions:
RPE65-related recessive retinopathy. Also called: Recessive RPE65 retinopathy. Identifiers: MedGen CN305526, MONDO:0100368.
RPE65-related disorder. Also called: RPE65-related condition; RPE65-related disorders. Identifiers: MedGen CN239301.
Retinitis pigmentosa 20 (RP20). Identifiers: Orphanet 791, MedGen C3151086, MONDO:0013425, OMIM 613794.
Leber congenital amaurosis 2 (LCA2). Also called: Autosomal Recessive RPE65-Related Retinal Degeneration; AMAUROSIS CONGENITA OF LEBER II. Identifiers: Orphanet 65, MedGen C1859844, MONDO:0008765, OMIM 204100. Disease mechanism: loss of function.
Leber congenital amaurosis (LCA). Also called: Leber's amaurosis. Identifiers: Orphanet 65, MedGen C0339527, MeSH D057130, MONDO:0018998.

Allele frequency attached by ClinVar (database versions not stated): gnomAD exomes below 0.00001 and 0.00001; ExAC 0.00001; TOPMed 0.00001.
gnomAD v4.1: 14 of 1,614,060 alleles (0.00087%); highest among the groups gnomAD compares: Non-Finnish European, 0.0011%; no homozygotes.

Submissions (10):

ClinGen Leber Congenital Amaurosis/early Onset Retinal Dystrophy Variant Curation Expert Panel, ClinGen
Classification: Pathogenic for RPE65-related recessive retinopathy. Last evaluated: 2026-08-20. Review status: reviewed by expert panel. Criteria: ClinGen LCAeoRD ACMG Specifications RPE65 V1.0.0. Collection method: curation. Allele origin: germline. Inheritance: Autosomal recessive inheritance.
Comment: NM_000329.3(RPE65):c.1292A>G is a missense variant predicted to cause substitution of tyrosine by cysteine at amino acid 431. Another missense variant in the same codon, NM_000329.3(RPE65):c.1291T>C (p.Tyr431His), has been classified as likely pathogenic for RPE65-related recessive retinopathy by the ClinGen LCA / eoRD VCEP (PMID: 27102010). Splicing prediction using SpliceAI did not strongly predict an effect on splicing due to either of these variants. However, this evidence has not been applied for PM5_Supporting in order to avoid circularity. This variant is present in gnomAD v.4.1.0 at a GrpMax allele frequency of 0.000006150, with 13 alleles / 1,179,952 total alleles in the European (Non-Finnish) population, which is lower than the ClinGen LCA / eoRD VCEP PM2_Supporting threshold of <0.0002 (PM2_Supporting). This variant has been reported in at least 2 probands with early-onset severe retinal dystrophy who were compound heterozygous with either the c.907A>T (p.Lys303Ter) or c.1102T>C (p.Tyr368His) variants confirmed in trans (2 point, PMIDs: 14962443, 30268864), which were previously classified pathogenic by the ClinGen LCA / eoRD VCEP (2 total points). This variant has also been reported in a third proband with early-onset severe retinal dystrophy who was compound heterozygous with the NM_000329.3(RPE65):c.893del (p.Lys298SerfsTer27) variant suspected but not confirmed in trans (0.5 pts, VCEP member-provided data), which was previously classified pathogenic by the ClinGen LCA/eoRD VCEP (2.5 total points, PM3_Strong). The variant has been reported to segregate with childhood-onset severe retinal dystrophy through a proband plus 1 similarly affected relative, with the variant present in the compound heterozygous state (PP1; VCEP member-provided data). At least one proband harboring this variant exhibits a phenotype including clinical diagnosis of Leber congenital amaurosis (0.5 pts), absent or severely decreased rod electroretinogram responses (0.5 pts), congenital night blindness (0.5 pts), optic nerve pallor (0.5 pts), pigmentary retinopathy with attenuated vessels (0.5 pts), macular atrophy (0.5 pts), symptomatic onset between birth and age five years (1 pt), decreased central visual acuity (1 pt), abnormal color vision or evidence of cone involvement on electroretinogram (1 pt), nystagmus (1 pt), and significant improvement following gene therapy (8 pt) which together are highly specific for RPE65-related recessive retinopathy (15 points, PMID: 14962443, PMID: 19117922, PMID: 22323828, PP4_Moderate). The computational predictor REVEL gives a score of 0.94, which is above the ClinGen LCA / eoRD VCEP threshold of ≥ 0.773 and predicts a damaging effect on RPE65 function (PP3_Moderate). In summary, this variant meets the criteria to be classified as Pathogenic for RPE65-related recessive retinopathy based on the ACMG/AMP criteria applied, as specified by the ClinGen LCA/eoRP VCEP: PM2_Supporting, PM3_Strong, PP1, PP4_Moderate, and PP3_Moderate. (LCA/eoRD VCEP specifications version 1.0.0).

PreventionGenetics, part of Exact Sciences
Classification: Likely pathogenic for RPE65-related condition. Last evaluated: 2026-07-22. Review status: criteria provided, single submitter. Criteria: ACMG Guidelines, 2015. Collection method: clinical testing. Allele origin: germline. Not counted in ClinVar's aggregate classification.
Comment: The RPE65 c.1292A>G variant is predicted to result in the amino acid substitution p.Tyr431Cys. This variant has been reported with a second RPE65 variant in several individuals with autosomal recessive Leber congenital amaurosis (Al-Khayer et al. 2004. PubMed ID: 14962443; Chung et al. 2018. PubMed ID: 30268864; Table S1, Lin et al. 2024. PubMed ID: 38219857). An alternate substitution of this amino acid residue (p.Tyr431His) has also been reported in individuals with Leber congenital amaurosis (see for example: Al-Khayer et al. 2004. PubMed ID: 14962443). This missense variant is predicted to be damaging to the encoded protein (REVEL score >0.773, Ioannidis et al. 2016. PubMed ID: 27666373). This variant is present in 0.00088% of alleles in individuals of European (non-Finnish) descent in gnomAD, and has been reported in a carrier screen of the general population (Hanany et al. 2020. PubMed ID: 31964843). The ClinGen Leber Congenital Amaurosis/Early Onset Retinal Dystrophy Variant Curation Expert Panel has categorized this variant as likely pathogenic (Variation ID: 29873). Given the evidence, we interpret this variant as likely pathogenic.

Labcorp Genetics (formerly Invitae), Labcorp
Classification: Pathogenic for Leber congenital amaurosis 2; Retinitis pigmentosa 20. Last evaluated: 2025-09-14. Review status: criteria provided, single submitter. Criteria: Invitae Variant Classification Sherloc (09022015). Collection method: clinical testing. Allele origin: germline. Not counted in ClinVar's aggregate classification.
Comment: This sequence change replaces tyrosine, which is neutral and polar, with cysteine, which is neutral and slightly polar, at codon 431 of the RPE65 protein (p.Tyr431Cys). This variant is present in population databases (rs62636300, gnomAD 0.0009%). This missense change has been observed in individual(s) with Leber congenital amaurosis or clinical features of inherited retinal dystrophy (PMID: 14962443, 19117922, 30268864; internal data). In at least one individual the data is consistent with being in trans (on the opposite chromosome) from a pathogenic variant. ClinVar contains an entry for this variant (Variation ID: 29873). Invitae Evidence Modeling of protein sequence and biophysical properties (such as structural, functional, and spatial information, amino acid conservation, physicochemical variation, residue mobility, and thermodynamic stability) indicates that this missense variant is expected to disrupt RPE65 protein function with a positive predictive value of 80%. For these reasons, this variant has been classified as Pathogenic.

Natera, Inc.
Classification: Likely pathogenic for Leber congenital amaurosis. Last evaluated: 2025-07-03. Review status: criteria provided, single submitter. Criteria: Natera Variant Classification Schema (03/2026). Collection method: clinical testing. Allele origin: germline. Not counted in ClinVar's aggregate classification.
Comment: The c.1292A>G variant in RPE65 is a missense variant predicted to cause substitution of tyrosine to cysteine at amino acid 431. This variant is rare in the general population with a frequency below the threshold expected for the associated phenotype(s). This variant has been observed in one or more individuals affected with the associated recessive disease, as either homozygous or compound heterozygous with a second variant (PMID: 14962443, 30268864). This variant has been identified in one or more affected individuals with a phenotype highly consistent with the associated gene (PMID: 14962443, 30268864). Computational prediction algorithms indicate this variant is likely to affect gene or protein function. Given the available evidence, this variant is classified as Likely Pathogenic.

Baylor Genetics
Classification: Likely pathogenic for Leber congenital amaurosis 2. Last evaluated: 2023-09-29. Review status: criteria provided, single submitter. Criteria: ACMG Guidelines, 2015. Collection method: clinical testing. Allele origin: unknown. Not counted in ClinVar's aggregate classification.

Women's Health and Genetics/Laboratory Corporation of America, LabCorp
Classification: Likely pathogenic for Leber congenital amaurosis. Last evaluated: 2023-06-28. Review status: criteria provided, single submitter. Criteria: LabCorp Variant Classification Summary - May 2015. Collection method: clinical testing. Allele origin: germline. Not counted in ClinVar's aggregate classification.
Comment: Variant summary: RPE65 c.1292A>G (p.Tyr431Cys) results in a non-conservative amino acid change in the encoded protein sequence. Five of five in-silico tools predict a damaging effect of the variant on protein function. The variant allele was found at a frequency of 4e-06 in 250892 control chromosomes (gnomAD). c.1292A>G has been reported in the literature in individuals affected with Leber Congenital Amaurosis or inherited retinal dystrophy (examples: Al-Khayer_2004, Chung_2019, Kumaran_2020). Multiple reports have classified this variant as likely pathogenic (Hanany_2020 and Johnston_2022). These data indicate that the variant may be associated with disease. To our knowledge, no experimental evidence demonstrating an impact on protein function has been reported. The following publications have been ascertained in the context of this evaluation (PMID: 15837919, 14962443, 19117922, 30268864, 31964843, 17964524, 34906458, 32347917, 30025081). Two submitters have cited clinical-significance assessments for this variant to ClinVar after 2014. All submitters classified the variant as pathogenic/likely pathogenic. Based on the evidence outlined above, the variant was classified as likely pathogenic.

Blueprint Genetics
Classification: Likely pathogenic for RPE65-related disorders. Last evaluated: 2021-12-21. Review status: criteria provided, single submitter. Criteria: ACMG Guidelines, 2015. Collection method: clinical testing. Allele origin: germline. Affected: yes. Observed: 3 variant alleles. Not counted in ClinVar's aggregate classification.

GeneDx
Classification: Likely pathogenic. Last evaluated: 2019-11-26. Review status: criteria provided, single submitter. Criteria: GeneDx Variant Classification Process June 2021. Collection method: clinical testing. Allele origin: germline. Affected: yes. Not counted in ClinVar's aggregate classification.
Comment: Not observed at a significant frequency in large population cohorts (Lek et al., 2016); In silico analysis, which includes protein predictors and evolutionary conservation, supports a deleterious effect; This variant is associated with the following publications: (PMID: 30268864, 14962443)

OMIM
Classification: Pathogenic for LEBER CONGENITAL AMAUROSIS 2. Last evaluated: 2004-02-01. Review status: no assertion criteria provided. Collection method: literature only. Allele origin: germline. Not counted in ClinVar's aggregate classification.

Retina International
No classification provided. Review status: no classification provided. Collection method: not provided. Allele origin: not provided. Not counted in ClinVar's aggregate classification.

Literature cited by the submitters: PubMed 14962443 (cited by 4 submitters); PubMed 19117922 (cited by Labcorp Genetics (formerly Invitae), Labcorp and Women's Health and Genetics/Laboratory Corporation of America, LabCorp); PubMed 30268864 (cited by 3 submitters); PubMed 17964524 (cited by Women's Health and Genetics/Laboratory Corporation of America, LabCorp); PubMed 30025081 (cited by Women's Health and Genetics/Laboratory Corporation of America, LabCorp); PubMed 31964843 (cited by Women's Health and Genetics/Laboratory Corporation of America, LabCorp); PubMed 15837919 (cited by Women's Health and Genetics/Laboratory Corporation of America, LabCorp); PubMed 34906458 (cited by Women's Health and Genetics/Laboratory Corporation of America, LabCorp); PubMed 32347917 (cited by Women's Health and Genetics/Laboratory Corporation of America, LabCorp).

NM_000329.3(RPE65):c.1292A>G (p.Tyr431Cys)

Gene: RPE65 (retinoid isomerohydrolase RPE65; minus strand). Cytogenetic location: 1p31.3.
Variant type: single nucleotide variant.
Coding change: c.1292A>G on transcript NM_000329.3 (MANE Select); coding-DNA position 1292, A replaced by G.
Protein change: p.Tyr431Cys; replaces tyrosine 431 with cysteine.
Molecular consequence: missense variant.
Genome position (GRCh38, 1-based): chr1:68,431,328, T>C on the plus strand (A>G on the coding strand, the complement: RPE65 is on the minus strand). VCF-style: chr1-68431328-T-C. GRCh37 (hg19) VCF-style: chr1-68897011-T-C.
Other names: NM_000329.3(RPE65):c.1292A>G; short protein forms Y431C.
Identifiers: ClinVar variation 29873 (VCV000029873.18), dbSNP rs62636300, ClinGen allele CA226500.